The following is an entry in ClinVar:

ClinVar aggregate classification (germline): Conflicting classifications of pathogenicity. Review status: criteria provided, conflicting classifications (1 of 4 stars). 4 submissions from 4 submitters: Uncertain significance (3); Likely benign (1). Last evaluated 2025-12-08.

Conditions:
Hypertrophic cardiomyopathy 14. Identifiers: MedGen C2750467, MONDO:0013197, OMIM 613251.
Cardiovascular phenotype. Identifiers: MedGen CN230736.
Hypertrophic cardiomyopathy 1 (CMH1). Also called: MYH7-Related Familial Hypertrophic Cardiomyopathy; Familial hypertrophic cardiomyopathy 1. Identifiers: MedGen C3495498, MONDO:0008647, OMIM 192600.
Atrial septal defect 3 (ASD3). Identifiers: Orphanet 1478, MedGen C3279790, MONDO:0013567, OMIM 614089.
Sick sinus syndrome 3, susceptibility to (SSS3). Identifiers: Orphanet 166282, MedGen C3279791, MONDO:0013568, OMIM 614090.
Dilated cardiomyopathy 1EE (CMD1EE). Identifiers: Orphanet 154, MedGen C2750466, MONDO:0013198, OMIM 613252.

Allele frequency attached by ClinVar (database versions not stated): gnomAD 0.00001 and 0.00003; TOPMed 0.00001.
gnomAD v4.1: 6 of 1,575,086 alleles (0.00038%); highest among the groups gnomAD compares: Admixed American, 0.0068%; no homozygotes.

Submissions (4):

Labcorp Genetics (formerly Invitae), Labcorp
Classification: Uncertain significance for Hypertrophic cardiomyopathy 14. Last evaluated: 2025-12-08. Review status: criteria provided, single submitter. Criteria: Invitae Variant Classification Sherloc (09022015). Collection method: clinical testing. Allele origin: germline.
Comment: This sequence change replaces leucine, which is neutral and non-polar, with isoleucine, which is neutral and non-polar, at codon 1106 of the MYH6 protein (p.Leu1106Ile). This variant is not present in population databases (gnomAD no frequency). This variant has not been reported in the literature in individuals affected with MYH6-related conditions. ClinVar contains an entry for this variant (Variation ID: 835603). Invitae Evidence Modeling of protein sequence and biophysical properties (such as structural, functional, and spatial information, amino acid conservation, physicochemical variation, residue mobility, and thermodynamic stability) indicates that this missense variant is not expected to disrupt MYH6 protein function with a negative predictive value of 80%. In summary, the available evidence is currently insufficient to determine the role of this variant in disease. Therefore, it has been classified as a Variant of Uncertain Significance.

Blueprint Genetics
Classification: Likely benign. Last evaluated: 2024-09-11. Review status: criteria provided, single submitter. Criteria: ACMG Guidelines, 2015. Collection method: clinical testing. Allele origin: germline.

Ambry Genetics
Classification: Uncertain significance for Cardiovascular phenotype. Last evaluated: 2023-11-26. Review status: criteria provided, single submitter. Criteria: Ambry Variant Classification Scheme 2023. Collection method: clinical testing. Allele origin: germline.
Comment: The p.L1106I variant (also known as c.3316C>A), located in coding exon 23 of the MYH6 gene, results from a C to A substitution at nucleotide position 3316. The leucine at codon 1106 is replaced by isoleucine, an amino acid with highly similar properties. This amino acid position is conserved. In addition, the in silico prediction for this alteration is inconclusive. Since supporting evidence is limited at this time, the clinical significance of this alteration remains unclear.

Fulgent Genetics
Classification: Uncertain significance for Hypertrophic cardiomyopathy 1; Hypertrophic cardiomyopathy 14; Dilated cardiomyopathy 1EE; Atrial septal defect 3; Sick sinus syndrome 3, susceptibility to. Last evaluated: 2022-01-24. Review status: criteria provided, single submitter. Criteria: ACMG Guidelines, 2015. Collection method: clinical testing. Allele origin: unknown.

NM_002471.4(MYH6):c.3316C>A (p.Leu1106Ile)

Gene: MYH6 (myosin heavy chain 6; minus strand). Cytogenetic location: 14q11.2.
Variant type: single nucleotide variant.
Coding change: c.3316C>A on transcript NM_002471.4 (MANE Select); coding-DNA position 3316, C replaced by A.
Protein change: p.Leu1106Ile; replaces leucine 1106 with isoleucine.
Molecular consequence: missense variant.
Genome position (GRCh38, 1-based): chr14:23,392,588, G>T on the plus strand (C>A on the coding strand, the complement: MYH6 is on the minus strand). VCF-style: chr14-23392588-G-T. GRCh37 (hg19) VCF-style: chr14-23861797-G-T.
Other names: short protein forms L1106I.
Identifiers: ClinVar variation 835603 (VCV000835603.12), dbSNP rs1595055372, ClinGen allele CA389007117.